The following is an entry in ClinVar:

ClinVar aggregate classification (germline): Likely benign (1 of 4 stars; one submission).

Conditions:
SLC10A2-related disorder. Also called: SLC10A2-related condition.

Submission:

PreventionGenetics, part of Exact Sciences
Classification: Likely benign for SLC10A2-related condition. Last evaluated: 2025-11-01. Review status: criteria provided, single submitter. Criteria: ACMG Guidelines, 2015. Collection method: clinical testing. Allele origin: germline.
Comment: This variant is classified as likely benign based on ACMG/AMP sequence variant interpretation guidelines (Richards et al. 2015 PMID: 25741868, with internal and published modifications).

NM_000452.3(SLC10A2):c.-3G>A

Gene: SLC10A2 (solute carrier family 10 member 2; minus strand). Cytogenetic location: 13q33.1.
Variant type: single nucleotide variant.
Coding change: c.-3G>A on transcript NM_000452.3 (MANE Select); 3 bases upstream of the start codon, G replaced by A.
Molecular consequence: 5 prime UTR variant.
Genome position (GRCh38, 1-based): chr13:103,066,252, C>T on the plus strand (G>A on the coding strand, the complement: SLC10A2 is on the minus strand). VCF-style: chr13-103066252-C-T. GRCh37 (hg19) VCF-style: chr13-103718602-C-T.
Identifiers: ClinVar variation 4987298 (VCV004987298.1).
Genomic context (GRCh38, chr13:103,066,252, plus strand): 5'-CACAGGATGCACCAGAGCAAACTGTTGCATTGTCCACACAGCTGTTCGGATCATTCATTG[C>T]TGGGTCTGCTGCTGGAAAGGCCAAGTCCACAGAAGCGCTGGTCCCTGGGCCCTGGCTCTG-3'